The following is an entry in ClinVar:

NM_002755.4(MAP2K1):c.370C>A (p.Pro124Thr)

Gene: MAP2K1 (mitogen-activated protein kinase kinase 1; plus strand). Cytogenetic location: 15q22.31.
Variant type: single nucleotide variant.
Coding change: c.370C>A on transcript NM_002755.4 (MANE Select); coding-DNA position 370, C replaced by A.
Protein change: p.Pro124Thr; replaces proline 124 with threonine.
Molecular consequence: missense variant.
Genome position (GRCh38, 1-based): chr15:66,436,824, C>A. VCF-style: chr15-66436824-C-A. GRCh37 (hg19) VCF-style: chr15-66729162-C-A.
Other names: short protein forms P124T.
Identifiers: ClinVar variation 40742 (VCV000040742.2), dbSNP rs1057519732, ClinGen allele CA392930699.

ClinVar aggregate classification (germline): Uncertain significance (1 of 4 stars; one submission).

Conditions:
Cardiofaciocutaneous syndrome 3 (CFC3). Also called: MAP2K1-Related Cardiofaciocutaneous Syndrome. Identifiers: Orphanet 1340, MedGen C3809006, MONDO:0014113, OMIM 615279.

Submission:

Baylor Genetics
Classification: Uncertain significance for Cardiofaciocutaneous syndrome 3. Last evaluated: 2017-09-01. Review status: criteria provided, single submitter. Criteria: ACMG Guidelines, 2015. Collection method: clinical testing. Allele origin: de novo. Inheritance: Autosomal dominant inheritance. Affected: yes.

Literature cited by the submitters: PubMed 25326635.